The following is an entry in ClinVar:

NM_001013838.3(CARMIL2):c.3908G>A (p.Arg1303His)

Gene: CARMIL2 (capping protein regulator and myosin 1 linker 2; plus strand). Cytogenetic location: 16q22.1.
Variant type: single nucleotide variant.
Coding change: c.3908G>A on transcript NM_001013838.3 (MANE Select); coding-DNA position 3908, G replaced by A.
Protein change: p.Arg1303His; replaces arginine 1303 with histidine.
Molecular consequence: missense variant.
Genome position (GRCh38, 1-based): chr16:67,656,517, G>A. VCF-style: chr16-67656517-G-A. GRCh37 (hg19) VCF-style: chr16-67690420-G-A.
Other names: c.3800G>A, p.Arg1267His (NM_001317026.3); short protein forms R1267H, R1303H.
Identifiers: ClinVar variation 2903718 (VCV002903718.1), dbSNP rs779724796, ClinGen allele CA8114209.

ClinVar aggregate classification (germline): Uncertain significance (1 of 4 stars; one submission).

Allele frequency attached by ClinVar (database versions not stated): ExAC 0.00002; gnomAD exomes 0.00002.
gnomAD v4.1: 30 of 1,613,418 alleles (0.0019%); highest among the groups gnomAD compares: African/African-American, 0.0053%; no homozygotes.

Submission:

Labcorp Genetics (formerly Invitae), Labcorp
Classification: Uncertain significance. Last evaluated: 2023-05-06. Review status: criteria provided, single submitter. Criteria: Invitae Variant Classification Sherloc (09022015). Collection method: clinical testing. Allele origin: germline.
Comment: In summary, the available evidence is currently insufficient to determine the role of this variant in disease. Therefore, it has been classified as a Variant of Uncertain Significance. Algorithms developed to predict the effect of missense changes on protein structure and function output the following: SIFT: "Not Available"; PolyPhen-2: "Benign"; Align-GVGD: "Not Available". The histidine amino acid residue is found in multiple mammalian species, which suggests that this missense change does not adversely affect protein function. This variant has not been reported in the literature in individuals affected with CARMIL2-related conditions. This variant is present in population databases (rs779724796, gnomAD 0.004%). This sequence change replaces arginine, which is basic and polar, with histidine, which is basic and polar, at codon 1303 of the CARMIL2 protein (p.Arg1303His).